The following is an entry in ClinVar:

ClinVar aggregate classification (germline): Uncertain significance (1 of 4 stars; one submission).

Conditions:
Dilated cardiomyopathy 1O (CMD1O). Also called: CARDIOMYOPATHY, DILATED, WITH VENTRICULAR TACHYCARDIA. Identifiers: Orphanet 154, MedGen C1837839, MONDO:0012062, OMIM 608569.

Allele frequency attached by ClinVar (database versions not stated): gnomAD exomes below 0.00001; ExAC 0.00001; TOPMed 0.00001.
gnomAD v4.1: 4 of 1,613,538 alleles (0.00025%); highest among the groups gnomAD compares: African/African-American, 0.004%; no homozygotes.

Submission:

Labcorp Genetics (formerly Invitae), Labcorp
Classification: Uncertain significance for Dilated cardiomyopathy 1O. Last evaluated: 2025-07-03. Review status: criteria provided, single submitter. Criteria: Invitae Variant Classification Sherloc (09022015). Collection method: clinical testing. Allele origin: germline.
Comment: This sequence change replaces proline, which is neutral and non-polar, with threonine, which is neutral and polar, at codon 798 of the ABCC9 protein (p.Pro798Thr). This variant is present in population databases (rs760116129, gnomAD 0.007%). This variant has not been reported in the literature in individuals affected with ABCC9-related conditions. ClinVar contains an entry for this variant (Variation ID: 963432). Invitae Evidence Modeling of protein sequence and biophysical properties (such as structural, functional, and spatial information, amino acid conservation, physicochemical variation, residue mobility, and thermodynamic stability) has been performed for this missense variant. However, the output from this modeling did not meet the statistical confidence thresholds required to predict the impact of this variant on ABCC9 protein function. In summary, the available evidence is currently insufficient to determine the role of this variant in disease. Therefore, it has been classified as a Variant of Uncertain Significance.

NM_020297.4(ABCC9):c.2392C>A (p.Pro798Thr)

Gene: ABCC9 (ATP binding cassette subfamily C member 9; minus strand). Cytogenetic location: 12p12.1.
Variant type: single nucleotide variant.
Coding change: c.2392C>A on transcript NM_020297.4 (MANE Select); coding-DNA position 2392, C replaced by A.
Protein change: p.Pro798Thr; replaces proline 798 with threonine.
Molecular consequence: missense variant.
Genome position (GRCh38, 1-based): chr12:21,861,003, G>T on the plus strand (C>A on the coding strand, the complement: ABCC9 is on the minus strand). VCF-style: chr12-21861003-G-T. GRCh37 (hg19) VCF-style: chr12-22013937-G-T.
Other names: c.2392C>A, p.Pro798Thr (NM_001377273.1, NM_005691.4); c.1525C>A, p.Pro509Thr (NM_001377274.1); short protein forms P509T, P798T.
Identifiers: ClinVar variation 963432 (VCV000963432.9), dbSNP rs760116129, ClinGen allele CA6481398.